The following is an entry in ClinVar:

NM_001276270.2(MBD4):c.181_182inv (p.Cys61His)

Gene: MBD4 (methyl-CpG binding domain 4, DNA glycosylase; minus strand). Cytogenetic location: 3q21.3.
Variant type: Inversion.
Coding change: c.181_182inv on transcript NM_001276270.2 (MANE Select).
Protein change: p.Cys61His; replaces cysteine 61 with histidine.
Molecular consequence: missense variant.
Genome position: GRCh38 VCF-style: chr3-129437873-CA-TG. GRCh37 (hg19) VCF-style: chr3-129156716-CA-TG.
Other names: c.181_182inv, p.Cys61His (NM_001276271.2, NM_001276272.2, NM_001276273.2 and 1 more transcripts); short protein forms C61H.
Identifiers: ClinVar variation 3647926 (VCV003647926.2).

ClinVar aggregate classification (germline): Uncertain significance (1 of 4 stars; one submission).

Submission:

Labcorp Genetics (formerly Invitae), Labcorp
Classification: Uncertain significance. Last evaluated: 2024-03-28. Review status: criteria provided, single submitter. Criteria: Invitae Variant Classification Sherloc (09022015). Collection method: clinical testing. Allele origin: germline.
Comment: This sequence change replaces cysteine, which is neutral and slightly polar, with histidine, which is basic and polar, at codon 61 of the MBD4 protein (p.Cys61His). Information on the frequency of this variant in the gnomAD database is not available, as this variant may be reported differently in the database. This variant has not been reported in the literature in individuals affected with MBD4-related conditions. An algorithm developed to predict the effect of missense changes on protein structure and function (PolyPhen-2) suggests that this variant is likely to be disruptive. In summary, the available evidence is currently insufficient to determine the role of this variant in disease. Therefore, it has been classified as a Variant of Uncertain Significance.